The following is an entry in ClinVar:

ClinVar aggregate classification (germline): Uncertain significance. Review status: criteria provided, multiple submitters, no conflicts (2 of 4 stars). 2 submissions from 2 submitters: Uncertain significance (2). Last evaluated 2024-05-06.

Allele frequency attached by ClinVar (database versions not stated): gnomAD 0.00001.
gnomAD v4.1: 4 of 1,610,004 alleles (0.00025%); highest among the groups gnomAD compares: South Asian, 0.0011%; no homozygotes.

Submissions (2):

Labcorp Genetics (formerly Invitae), Labcorp
Classification: Uncertain significance. Last evaluated: 2024-05-06. Review status: criteria provided, single submitter. Criteria: Invitae Variant Classification Sherloc (09022015). Collection method: clinical testing. Allele origin: germline.
Comment: This sequence change replaces leucine, which is neutral and non-polar, with phenylalanine, which is neutral and non-polar, at codon 470 of the DIAPH3 protein (p.Leu470Phe). This variant is present in population databases (rs745499897, gnomAD 0.0009%). This variant has not been reported in the literature in individuals affected with DIAPH3-related conditions. ClinVar contains an entry for this variant (Variation ID: 1254170). An algorithm developed to predict the effect of missense changes on protein structure and function (PolyPhen-2) suggests that this variant is likely to be disruptive. In summary, the available evidence is currently insufficient to determine the role of this variant in disease. Therefore, it has been classified as a Variant of Uncertain Significance.

GeneDx
Classification: Uncertain significance. Last evaluated: 2021-09-09. Review status: criteria provided, single submitter. Criteria: GeneDx Variant Classification Process June 2021. Collection method: clinical testing. Allele origin: germline. Affected: yes.
Comment: Not observed at a significant frequency in large population cohorts (Lek et al., 2016); In silico analysis supports that this missense variant has a deleterious effect on protein structure/function; Has not been previously published as pathogenic or benign to our knowledge

NM_001042517.2(DIAPH3):c.1410G>T (p.Leu470Phe)

Gene: DIAPH3 (diaphanous related formin 3; minus strand). Cytogenetic location: 13q21.2.
Variant type: single nucleotide variant.
Coding change: c.1410G>T on transcript NM_001042517.2 (MANE Select); coding-DNA position 1410, G replaced by T.
Protein change: p.Leu470Phe; replaces leucine 470 with phenylalanine.
Molecular consequence: missense variant.
Genome position (GRCh38, 1-based): chr13:59,983,839, C>A on the plus strand (G>T on the coding strand, the complement: DIAPH3 is on the minus strand). VCF-style: chr13-59983839-C-A. GRCh37 (hg19) VCF-style: chr13-60557973-C-A.
Other names: c.1377G>T, p.Leu459Phe (NM_001258366.2); c.1272G>T, p.Leu424Phe (NM_001258367.2); c.1200G>T, p.Leu400Phe (NM_001258368.2); c.1410G>T, p.Leu470Phe (NM_001258369.2); c.621G>T, p.Leu207Phe (NM_001258370.2, NM_030932.4); short protein forms L207F, L400F, L424F, L459F, L470F.
Identifiers: ClinVar variation 1254170 (VCV001254170.4), dbSNP rs745499897, ClinGen allele CA6996706.
Genomic context (GRCh38, chr13:59,983,839, plus strand): 5'-GGTTAAATCTAAATCTAGTCTTTTTCGATATGTGAAGTCTGGATCCATTCCATCTCTATG[C>A]AATACAATCTGGGATACACACTCATCAATTAATTTGAAGTATTGTTGCCTAAAACCAAAG-3'
Protein context (NP_001035982.1, residues 460-480): LIDECVSQIV[Leu470Phe]HRDGMDPDFT